The following is an entry in ClinVar:

NM_003072.5(SMARCA4):c.4672A>G (p.Thr1558Ala)

Gene: SMARCA4 (SWI/SNF related BAF chromatin remodeling complex subunit ATPase 4; plus strand). Cytogenetic location: 19p13.2.
Variant type: single nucleotide variant.
Coding change: c.4672A>G on transcript NM_003072.5 (MANE Select); coding-DNA position 4672, A replaced by G.
Protein change: p.Thr1558Ala; replaces threonine 1558 with alanine.
Molecular consequence: missense variant. On other transcripts: non-coding transcript variant (1).
Genome position (GRCh38, 1-based): chr19:11,059,789, A>G. VCF-style: chr19-11059789-A-G. GRCh37 (hg19) VCF-style: chr19-11170465-A-G.
Other names: c.4570A>G, p.Thr1524Ala (NM_001128848.2); c.4768A>G, p.Thr1590Ala (NM_001128849.3, NM_001387283.1); c.4573A>G, p.Thr1525Ala (NM_001374457.1, NM_001128847.4); c.4672A>G, p.Thr1558Ala (NM_001128844.3); c.4582A>G, p.Thr1528Ala (NM_001128845.2); c.4579A>G, p.Thr1527Ala (NM_001128846.2); short protein forms T1590A, T1524A, T1525A, T1527A, T1558A, T1528A.
Identifiers: ClinVar variation 408650 (VCV000408650.17), dbSNP rs1060502083, ClinGen allele CA16615987.

ClinVar aggregate classification (germline): Uncertain significance. Review status: criteria provided, multiple submitters, no conflicts (2 of 4 stars). 4 submissions from 4 submitters: Uncertain significance (4). Last evaluated 2025-07-08.

Conditions:
Hereditary cancer-predisposing syndrome. Also called: Hereditary Cancer Syndrome; Hereditary neoplastic syndrome; Neoplastic Syndromes, Hereditary; Tumor predisposition. Identifiers: Orphanet 140162, MedGen C0027672, MeSH D009386, MONDO:0015356.
Rhabdoid tumor predisposition syndrome 2 (RTPS2). Identifiers: Orphanet 231108, Orphanet 69077, MedGen C2750074, MONDO:0013224, OMIM 613325.

Allele frequency attached by ClinVar (database versions not stated): gnomAD exomes 0.00001.

Submissions (4):

Ambry Genetics
Classification: Uncertain significance for Hereditary cancer-predisposing syndrome. Last evaluated: 2025-07-08. Review status: criteria provided, single submitter. Criteria: Ambry Variant Classification Scheme 2023. Collection method: clinical testing. Allele origin: germline.

Labcorp Genetics (formerly Invitae), Labcorp
Classification: Uncertain significance for Rhabdoid tumor predisposition syndrome 2. Last evaluated: 2025-06-16. Review status: criteria provided, single submitter. Criteria: Invitae Variant Classification Sherloc (09022015). Collection method: clinical testing. Allele origin: germline.
Comment: This sequence change replaces threonine, which is neutral and polar, with alanine, which is neutral and non-polar, at codon 1590 of the SMARCA4 protein (p.Thr1590Ala). This variant is not present in population databases (gnomAD no frequency). This variant has not been reported in the literature in individuals affected with SMARCA4-related conditions. ClinVar contains an entry for this variant (Variation ID: 408650). Invitae Evidence Modeling of protein sequence and biophysical properties (such as structural, functional, and spatial information, amino acid conservation, physicochemical variation, residue mobility, and thermodynamic stability) indicates that this missense variant is not expected to disrupt SMARCA4 protein function with a negative predictive value of 95%. In summary, the available evidence is currently insufficient to determine the role of this variant in disease. Therefore, it has been classified as a Variant of Uncertain Significance.

Baylor Genetics
Classification: Uncertain significance for Rhabdoid tumor predisposition syndrome 2. Last evaluated: 2024-03-11. Review status: criteria provided, single submitter. Criteria: ACMG Guidelines, 2015. Collection method: clinical testing. Allele origin: unknown.

GeneDx
Classification: Uncertain significance. Last evaluated: 2022-05-20. Review status: criteria provided, single submitter. Criteria: GeneDx Variant Classification Process June 2021. Collection method: clinical testing. Allele origin: germline. Affected: yes.
Comment: Not observed at significant frequency in large population cohorts (gnomAD); In silico analysis supports that this missense variant does not alter protein structure/function; Has not been previously published as pathogenic or benign to our knowledge; This variant is associated with the following publications: (PMID: 24658002)